The following is an entry in ClinVar:

ClinVar aggregate classification (germline): Benign/Likely benign. Review status: criteria provided, multiple submitters, no conflicts (2 of 4 stars). 4 submissions from 4 submitters: Benign (2); Likely benign (1). 1 of the submissions does not count toward it. Last evaluated 2026-01-12.

Conditions:
LRRK1-related disorder. Also called: LRRK1-related condition.

Allele frequency attached by ClinVar (database versions not stated): gnomAD exomes 0.00038 and 0.00083; ExAC 0.00113; TOPMed 0.00238; ESP Exome Variant Server 0.00265; 1000 Genomes Project 30x 0.00312; 1000 Genomes Project 0.00319.
gnomAD v4.1: 889 of 1,614,100 alleles (0.055%); highest among the groups gnomAD compares: African/African-American, 0.63%; 3 homozygotes.

Submissions (4):

Labcorp Genetics (formerly Invitae), Labcorp
Classification: Benign. Last evaluated: 2026-01-12. Review status: criteria provided, single submitter. Criteria: Invitae Variant Classification Sherloc (09022015). Collection method: clinical testing. Allele origin: germline.

Blueprint Genetics
Classification: Likely benign. Last evaluated: 2024-10-18. Review status: criteria provided, single submitter. Criteria: ACMG Guidelines, 2015. Collection method: clinical testing. Allele origin: germline.

Breakthrough Genomics
Classification: Benign. Review status: criteria provided, single submitter. Criteria: ACMG Guidelines, 2015. Collection method: not provided. Allele origin: germline. Inheritance: Autosomal recessive inheritance. Affected: yes.

PreventionGenetics, part of Exact Sciences
Classification: Likely benign for LRRK1-related condition. Last evaluated: 2019-03-05. Review status: no assertion criteria provided. Collection method: clinical testing. Allele origin: germline. Not counted in ClinVar's aggregate classification.
Comment: This variant is classified as likely benign based on ACMG/AMP sequence variant interpretation guidelines (Richards et al. 2015 PMID: 25741868, with internal and published modifications).

NM_024652.6(LRRK1):c.2109G>A (p.Pro703=)

Gene: LRRK1 (leucine rich repeat kinase 1; plus strand). Cytogenetic location: 15q26.3.
Variant type: single nucleotide variant.
Coding change: c.2109G>A on transcript NM_024652.6 (MANE Select); coding-DNA position 2109, G replaced by A.
Protein change: p.Pro703=; no amino-acid change (proline 703 retained).
Molecular consequence: synonymous variant.
Genome position (GRCh38, 1-based): chr15:101,024,844, G>A. VCF-style: chr15-101024844-G-A. GRCh37 (hg19) VCF-style: chr15-101565049-G-A.
Other names: c.2109G>A (NM_024652.5).
Identifiers: ClinVar variation 1671868 (VCV001671868.12), dbSNP rs181816210, ClinGen allele CA7761132.